The following is an entry in ClinVar:

NM_001040108.2(MLH3):c.47G>A (p.Gly16Asp)

Gene: MLH3 (mutL homolog 3; minus strand). Cytogenetic location: 14q24.3.
Variant type: single nucleotide variant.
Coding change: c.47G>A on transcript NM_001040108.2 (MANE Select); coding-DNA position 47, G replaced by A.
Protein change: p.Gly16Asp; replaces glycine 16 with aspartic acid.
Molecular consequence: missense variant.
Genome position (GRCh38, 1-based): chr14:75,049,609, C>T on the plus strand (G>A on the coding strand, the complement: MLH3 is on the minus strand). VCF-style: chr14-75049609-C-T. GRCh37 (hg19) VCF-style: chr14-75516312-C-T.
Other names: c.47G>A, p.Gly16Asp (NM_014381.3); short protein forms G16D.
Identifiers: ClinVar variation 2576492 (VCV002576492.3), dbSNP rs2139614769, ClinGen allele CA390451853.

ClinVar aggregate classification (germline): Uncertain significance. Review status: criteria provided, multiple submitters, no conflicts (2 of 4 stars). 2 submissions from 2 submitters: Uncertain significance (2). Last evaluated 2026-01-03.

Submissions (2):

Ambry Genetics
Classification: Uncertain significance. Last evaluated: 2026-01-03. Review status: criteria provided, single submitter. Criteria: Ambry Variant Classification Scheme 2023. Collection method: clinical testing. Allele origin: germline.
Comment: The p.G16D variant (also known as c.47G>A), located in coding exon 1 of the MLH3 gene, results from a G to A substitution at nucleotide position 47. The glycine at codon 16 is replaced by aspartic acid, an amino acid with similar properties. This amino acid position is conserved. In addition, this alteration is predicted to be deleterious by in silico analysis. Based on the available evidence, the clinical significance of this variant remains unclear.

Center for Genomic Medicine, Rigshospitalet, Copenhagen University Hospital
Classification: Uncertain significance. Last evaluated: 2025-03-04. Review status: criteria provided, single submitter. Criteria: ACMG Guidelines, 2015. Collection method: clinical testing. Allele origin: germline.